The following is an entry in ClinVar:

NM_000256.3(MYBPC3):c.1857G>C (p.Glu619Asp)

Gene: MYBPC3 (myosin binding protein C3; minus strand). Cytogenetic location: 11p11.2.
Variant type: single nucleotide variant.
Coding change: c.1857G>C on transcript NM_000256.3 (MANE Select); coding-DNA position 1857, G replaced by C.
Protein change: p.Glu619Asp; replaces glutamic acid 619 with aspartic acid.
Molecular consequence: missense variant.
Genome position (GRCh38, 1-based): chr11:47,341,178, C>G on the plus strand (G>C on the coding strand, the complement: MYBPC3 is on the minus strand). VCF-style: chr11-47341178-C-G. GRCh37 (hg19) VCF-style: chr11-47362729-C-G.
Other names: short protein forms E619D.
Identifiers: ClinVar variation 2218863 (VCV002218863.6), dbSNP rs763030622, ClinGen allele CA380323826.
Genomic context (GRCh38, chr11:47,341,178, plus strand): 5'-CTACCCTGGAGCAGGCTCACCCATGAAGTGGAGCTTGGCTGACAGGTTGCAGGCGAAGCC[C>G]TCGGGCACAAAGCTGTAGTCAGCCTCGTCGGCAGGTGTGACGTCGTCAATGGTCAGTTTG-3'
Protein context (NP_000247.2, residues 609-629): ADEADYSFVP[Glu619Asp]GFACNLSAKL

ClinVar aggregate classification (germline): Uncertain significance. Review status: criteria provided, multiple submitters, no conflicts (2 of 4 stars). 2 submissions from 2 submitters: Uncertain significance (2). Last evaluated 2026-09-11.

Conditions:
Hypertrophic cardiomyopathy. Also called: HYPERTROPHIC MYOCARDIOPATHY. Identifiers: Orphanet 217569, MedGen C0007194, MeSH D002312, MONDO:0005045, HP:0001639.
Cardiovascular phenotype. Identifiers: MedGen CN230736.

Submissions (2):

Ambry Genetics
Classification: Uncertain significance for Cardiovascular phenotype. Last evaluated: 2026-09-11. Review status: criteria provided, single submitter. Criteria: Ambry Variant Classification Scheme 2023. Collection method: clinical testing. Allele origin: germline.
Comment: The p.E619D variant (also known as c.1857G>C), located in coding exon 19 of the MYBPC3 gene, results from a G to C substitution at nucleotide position 1857. The glutamic acid at codon 619 is replaced by aspartic acid, an amino acid with highly similar properties. This amino acid position is conserved. In addition, this alteration is predicted to be tolerated by in silico analysis. Based on the available evidence, the clinical significance of this variant remains unclear.

Labcorp Genetics (formerly Invitae), Labcorp
Classification: Uncertain significance for Hypertrophic cardiomyopathy. Last evaluated: 2025-06-16. Review status: criteria provided, single submitter. Criteria: Invitae Variant Classification Sherloc (09022015). Collection method: clinical testing. Allele origin: germline.
Comment: This sequence change replaces glutamic acid, which is acidic and polar, with aspartic acid, which is acidic and polar, at codon 619 of the MYBPC3 protein (p.Glu619Asp). This variant is not present in population databases (gnomAD no frequency). This variant has not been reported in the literature in individuals affected with MYBPC3-related conditions. ClinVar contains an entry for this variant (Variation ID: 2218863). An algorithm developed to predict the effect of missense changes on protein structure and function (PolyPhen-2) suggests that this variant is likely to be tolerated. In summary, the available evidence is currently insufficient to determine the role of this variant in disease. Therefore, it has been classified as a Variant of Uncertain Significance.